The following is an entry in ClinVar:

NM_001283009.2(RTEL1):c.3601G>C (p.Gly1201Arg)

Genes: RTEL1 (regulator of telomere elongation helicase 1; plus strand), RTEL1-TNFRSF6B (RTEL1-TNFRSF6B readthrough (NMD candidate); plus strand). Cytogenetic location: 20q13.33.
Variant type: single nucleotide variant.
Coding change: c.3601G>C on transcript NM_001283009.2 (MANE Select); coding-DNA position 3601, G replaced by C.
Protein change: p.Gly1201Arg; replaces glycine 1201 with arginine.
Molecular consequence: missense variant. On other transcripts: non-coding transcript variant (1).
Genome position (GRCh38, 1-based): chr20:63,695,429, G>C. VCF-style: chr20-63695429-G-C. GRCh37 (hg19) VCF-style: chr20-62326782-G-C.
Other names: c.2932G>C, p.Gly978Arg (NM_001283010.1); c.3601G>C, p.Gly1201Arg (NM_016434.4); c.3673G>C, p.Gly1225Arg (NM_032957.5); short protein forms G978R, G1201R, G1225R.
Identifiers: ClinVar variation 4157585 (VCV004157585.1).

ClinVar aggregate classification (germline): Uncertain significance (1 of 4 stars; one submission).

Conditions:
Inborn genetic diseases. Identifiers: MedGen C0950123, MeSH D030342.

gnomAD v4.1: 1 of 1,569,616 alleles (0.000064%); highest among the groups gnomAD compares: Non-Finnish European, 0.000086%; no homozygotes.

Submission:

Ambry Genetics
Classification: Uncertain significance for Inborn genetic diseases. Last evaluated: 2025-07-03. Review status: criteria provided, single submitter. Criteria: Ambry Variant Classification Scheme 2023. Collection method: clinical testing. Allele origin: germline.
Comment: The p.G1201R variant (also known as c.3601G>C), located in coding exon 33 of the RTEL1 gene, results from a G to C substitution at nucleotide position 3601. The glycine at codon 1201 is replaced by arginine, an amino acid with dissimilar properties. This amino acid position is conserved. In addition, this alteration is predicted to be tolerated by in silico analysis. Based on the available evidence, the clinical significance of this variant remains unclear.